The following is an entry in ClinVar:

ClinVar aggregate classification (germline): Uncertain significance. Review status: criteria provided, multiple submitters, no conflicts (2 of 4 stars). 2 submissions from 2 submitters: Uncertain significance (2). Last evaluated 2025-08-30.

Allele frequency attached by ClinVar (database versions not stated): gnomAD 0.00004; gnomAD exomes 0.00004; TOPMed 0.00004; ESP Exome Variant Server 0.00016.
gnomAD v4.1: 63 of 1,495,210 alleles (0.0042%); highest among the groups gnomAD compares: Admixed American, 0.012%; no homozygotes.

Submissions (2):

Ambry Genetics
Classification: Uncertain significance. Last evaluated: 2025-08-30. Review status: criteria provided, single submitter. Criteria: Ambry Variant Classification Scheme 2023. Collection method: clinical testing. Allele origin: germline.

Labcorp Genetics (formerly Invitae), Labcorp
Classification: Uncertain significance. Last evaluated: 2024-03-29. Review status: criteria provided, single submitter. Criteria: Invitae Variant Classification Sherloc (09022015). Collection method: clinical testing. Allele origin: germline.
Comment: This sequence change replaces arginine, which is basic and polar, with histidine, which is basic and polar, at codon 11 of the EIF2AK1 protein (p.Arg11His). This variant is present in population databases (rs373838189, gnomAD 0.007%). This variant has not been reported in the literature in individuals affected with EIF2AK1-related conditions. ClinVar contains an entry for this variant (Variation ID: 2207343). Algorithms developed to predict the effect of missense changes on protein structure and function output the following: SIFT: "Not Available"; PolyPhen-2: "Benign"; Align-GVGD: "Not Available". The histidine amino acid residue is found in multiple mammalian species, which suggests that this missense change does not adversely affect protein function. In summary, the available evidence is currently insufficient to determine the role of this variant in disease. Therefore, it has been classified as a Variant of Uncertain Significance.

NM_014413.4(EIF2AK1):c.32G>A (p.Arg11His)

Genes: EIF2AK1 (eukaryotic translation initiation factor 2 alpha kinase 1; minus strand), LOC129997920 (ATAC-STARR-seq lymphoblastoid silent region 17933; plus strand). Cytogenetic location: 7p22.1.
Variant type: single nucleotide variant.
Coding change: c.32G>A on transcript NM_014413.4 (MANE Select); coding-DNA position 32, G replaced by A.
Protein change: p.Arg11His; replaces arginine 11 with histidine.
Molecular consequence: missense variant.
Genome position (GRCh38, 1-based): chr7:6,059,052, C>T on the plus strand (G>A on the coding strand, the complement: EIF2AK1 is on the minus strand). VCF-style: chr7-6059052-C-T. GRCh37 (hg19) VCF-style: chr7-6098683-C-T.
Other names: c.32G>A, p.Arg11His (NM_001134335.2); short protein forms R11H.
Identifiers: ClinVar variation 2207343 (VCV002207343.5), dbSNP rs373838189, ClinGen allele CA4151390.
Genomic context (GRCh38, chr7:6,059,052, plus strand): 5'-GCGGGAAAGTCGATGGCCGGCGGCGCAGCCACAGCCCCAGCCCCGTCGCCCTCCTCTTCG[C>T]GCTTGCGGACCCCGGAGTTGCCCCCCTGCATCGCCGGCCGCGCGCGGGCCGCAGCCCAGC-3'
Protein context (NP_055228.2, residues 1-21): MQGGNSGVRK[Arg11His]EEEGDGAGAV